The following is an entry in ClinVar:

NM_152564.5(VPS13B):c.8638del (p.Ser2880fs)

Gene: VPS13B (vacuolar protein sorting 13 homolog B; plus strand). Cytogenetic location: 8q22.2.
Variant type: Deletion.
Coding change: c.8638del on transcript NM_152564.5 (MANE Select); coding-DNA position 8638, one base deleted (T; older notation c.8638delT).
Protein change: p.Ser2880fs; shifts the reading frame from serine 2880.
Molecular consequence: frameshift variant.
Genome position (GRCh38, 1-based): chr8:99,819,428, T deleted; the last of 2 consecutive T bases (chr8:99,819,427-99,819,428); deleting either gives the same sequence. VCF-style (leftmost placement, unchanged base first): chr8-99819426-CT-C. GRCh37 (hg19) VCF-style: chr8-100831654-CT-C.
Other names: c.8713del, p.Ser2905fs (NM_017890.5); short protein forms S2880fs, S2905fs.
Identifiers: ClinVar variation 4716121 (VCV004716121.1).

ClinVar aggregate classification (germline): Pathogenic (1 of 4 stars; one submission).

Conditions:
Cohen syndrome (COH1). Also called: Cutis verticis gyrata, retinitis pigmentosa, and sensorineural deafness; PEPPER SYNDROME. Identifiers: Orphanet 193, MedGen C0265223, MONDO:0008999, OMIM 216550.

Submission:

Labcorp Genetics (formerly Invitae), Labcorp
Classification: Pathogenic for Cohen syndrome. Last evaluated: 2025-03-26. Review status: criteria provided, single submitter. Criteria: Invitae Variant Classification Sherloc (09022015). Collection method: clinical testing. Allele origin: germline.
Comment: This sequence change creates a premature translational stop signal (p.Ser2905Glnfs*15) in the VPS13B gene. It is expected to result in an absent or disrupted protein product. Loss-of-function variants in VPS13B are known to be pathogenic (PMID: 15141358, 16648375, 20461111). This variant is not present in population databases (gnomAD no frequency). This variant has not been reported in the literature in individuals affected with VPS13B-related conditions. For these reasons, this variant has been classified as Pathogenic.

Literature cited by the submitters: PubMed 15141358; PubMed 16648375; PubMed 20461111.